The following is an entry in ClinVar:

NM_152564.5(VPS13B):c.2033A>G (p.Asn678Ser)

Gene: VPS13B (vacuolar protein sorting 13 homolog B; plus strand). Cytogenetic location: 8q22.2.
Variant type: single nucleotide variant.
Coding change: c.2033A>G on transcript NM_152564.5 (MANE Select); coding-DNA position 2033, A replaced by G.
Protein change: p.Asn678Ser; replaces asparagine 678 with serine.
Molecular consequence: missense variant.
Genome position (GRCh38, 1-based): chr8:99,156,568, A>G. VCF-style: chr8-99156568-A-G. GRCh37 (hg19) VCF-style: chr8-100168796-A-G.
Other names: c.2033A>G, p.Asn678Ser (NM_015243.3, NM_017890.5); c.2033A>G (NM_017890.3); short protein forms N678S.
Identifiers: ClinVar variation 647408 (VCV000647408.7), dbSNP rs751669595, ClinGen allele CA4822816.
Genomic context (GRCh38, chr8:99,156,568, plus strand): 5'-CTCCACTTTTAAAATATAAAGCGAACACTATTATTTTCTAGAACTCAAGTAACTTCATGA[A>G]TACTACAAACTTCCAGTCTCTTCGGCCTTTGCCATCCATTCGAATATTGGTGGATAAAAT-3'
Protein context (NP_689777.3, residues 668-688): MGEKNSSNFM[Asn678Ser]TTNFQSLRPL

ClinVar aggregate classification (germline): Uncertain significance. Review status: criteria provided, multiple submitters, no conflicts (2 of 4 stars). 3 submissions from 3 submitters: Uncertain significance (2). 1 of the submissions does not count toward it. Last evaluated 2023-03-17.

Conditions:
Cohen syndrome (COH1). Also called: PEPPER SYNDROME; Cutis verticis gyrata, retinitis pigmentosa, and sensorineural deafness. Identifiers: Orphanet 193, MedGen C0265223, MONDO:0008999, OMIM 216550.
Inborn genetic diseases. Identifiers: MedGen C0950123, MeSH D030342.

Allele frequency attached by ClinVar (database versions not stated): gnomAD exomes below 0.00001 and 0.00001; TOPMed below 0.00001; ExAC 0.00001.
gnomAD v4.1: 10 of 1,614,034 alleles (0.00062%); highest among the groups gnomAD compares: East Asian, 0.022%; no homozygotes.

Submissions (3):

Ambry Genetics
Classification: Uncertain significance for Inborn genetic diseases. Last evaluated: 2023-03-17. Review status: criteria provided, single submitter. Criteria: Ambry Variant Classification Scheme 2023. Collection method: clinical testing. Allele origin: germline.

Labcorp Genetics (formerly Invitae), Labcorp
Classification: Uncertain significance for Cohen syndrome. Last evaluated: 2022-01-28. Review status: criteria provided, single submitter. Criteria: Invitae Variant Classification Sherloc (09022015). Collection method: clinical testing. Allele origin: germline.
Comment: This sequence change replaces asparagine, which is neutral and polar, with serine, which is neutral and polar, at codon 678 of the VPS13B protein (p.Asn678Ser). This variant is present in population databases (rs751669595, gnomAD 0.006%). This variant has not been reported in the literature in individuals affected with VPS13B-related conditions. ClinVar contains an entry for this variant (Variation ID: 647408). Algorithms developed to predict the effect of missense changes on protein structure and function are either unavailable or do not agree on the potential impact of this missense change (SIFT: "Not Available"; PolyPhen-2: "Possibly Damaging"; Align-GVGD: "Not Available"). In summary, the available evidence is currently insufficient to determine the role of this variant in disease. Therefore, it has been classified as a Variant of Uncertain Significance.

Natera, Inc.
Classification: Uncertain significance for Cohen syndrome. Last evaluated: 2020-09-25. Review status: no assertion criteria provided. Collection method: clinical testing. Allele origin: germline. Not counted in ClinVar's aggregate classification.